The following is an entry in ClinVar:

NM_012463.4(ATP6V0A2):c.794G>A (p.Gly265Glu)

Gene: ATP6V0A2 (ATPase H+ transporting V0 subunit a2; plus strand). Cytogenetic location: 12q24.31.
Variant type: single nucleotide variant.
Coding change: c.794G>A on transcript NM_012463.4 (MANE Select); coding-DNA position 794, G replaced by A.
Protein change: p.Gly265Glu; replaces glycine 265 with glutamic acid.
Molecular consequence: missense variant.
Genome position (GRCh38, 1-based): chr12:123,735,593, G>A. VCF-style: chr12-123735593-G-A. GRCh37 (hg19) VCF-style: chr12-124220140-G-A.
Other names: short protein forms G265E.
Identifiers: ClinVar variation 307582 (VCV000307582.9), dbSNP rs571403150, ClinGen allele CA6861737.
Genomic context (GRCh38, chr12:123,735,593, plus strand): 5'-ACCACTGCCACGTGTACCCCTATCCAAACACAGCCGAGGAGCGGAGGGAGATCCAGGAGG[G>A]GCTGAACACCCGCATCCAGGATCTCTACACTGTGAGTAAGCTGGAAGTGGATTGCCTCTT-3'
Protein context (NP_036595.2, residues 255-275): TAEERREIQE[Gly265Glu]LNTRIQDLYT

ClinVar aggregate classification (germline): Uncertain significance. Review status: criteria provided, multiple submitters, no conflicts (2 of 4 stars). 2 submissions from 2 submitters: Uncertain significance (2). Last evaluated 2022-06-29.

Conditions:
Cutis laxa with osteodystrophy (ARCL2A). Also called: Debré-Type Cutis Laxa; CUTIS LAXA WITH CONGENITAL DISORDER OF GLYCOSYLATION; CUTIS LAXA, AUTOSOMAL RECESSIVE, TYPE IIA; CUTIS LAXA WITH BONE DYSTROPHY; CUTIS LAXA WITH GROWTH AND DEVELOPMENTAL DELAY; CUTIS LAXA WITH JOINT LAXITY AND RETARDED DEVELOPMENT. Identifiers: Orphanet 357058, MedGen C0268355, MONDO:0018163, OMIM 219200. Disease mechanism: loss of function.
ALG9 congenital disorder of glycosylation (CDG1L). Also called: CDG Il; CONGENITAL DISORDER OF GLYCOSYLATION, TYPE Il; ALG9-CDG. Identifiers: Orphanet 79328, MedGen C2931006, MONDO:0012117, OMIM 608776.

Allele frequency attached by ClinVar (database versions not stated): TOPMed below 0.00001; gnomAD 0.00001; gnomAD exomes 0.00001 and 0.00003; ExAC 0.00002.
gnomAD v4.1: 52 of 1,613,338 alleles (0.0032%); highest among the groups gnomAD compares: Non-Finnish European, 0.0042%; no homozygotes.

Submissions (2):

Labcorp Genetics (formerly Invitae), Labcorp
Classification: Uncertain significance for ALG9 congenital disorder of glycosylation. Last evaluated: 2022-06-29. Review status: criteria provided, single submitter. Criteria: Invitae Variant Classification Sherloc (09022015). Collection method: clinical testing. Allele origin: germline.
Comment: This sequence change replaces glycine, which is neutral and non-polar, with glutamic acid, which is acidic and polar, at codon 265 of the ATP6V0A2 protein (p.Gly265Glu). This variant is present in population databases (rs571403150, gnomAD 0.003%). This variant has not been reported in the literature in individuals affected with ATP6V0A2-related conditions. ClinVar contains an entry for this variant (Variation ID: 307582). Algorithms developed to predict the effect of missense changes on protein structure and function are either unavailable or do not agree on the potential impact of this missense change (SIFT: "Tolerated"; PolyPhen-2: "Possibly Damaging"; Align-GVGD: "Class C0"). In summary, the available evidence is currently insufficient to determine the role of this variant in disease. Therefore, it has been classified as a Variant of Uncertain Significance.

Illumina Laboratory Services, Illumina
Classification: Uncertain significance for Cutis laxa with osteodystrophy. Last evaluated: 2018-01-12. Review status: criteria provided, single submitter. Criteria: ICSL Variant Classification Criteria 13 December 2019. Collection method: clinical testing. Allele origin: germline.